The following is an entry in ClinVar:

NM_000116.5(TAFAZZIN):c.110-17=

Genes: DNASE1L1 (deoxyribonuclease 1 like 1; minus strand), TAFAZZIN (tafazzin, phospholipid-lysophospholipid transacylase; plus strand). Cytogenetic location: Xq28.
Variant type: single nucleotide variant.
Coding change: c.110-17= on transcript NM_000116.5 (MANE Select); 17 bases into the intron before coding-DNA position 110, no change from the reference sequence.
Molecular consequence: intron variant. On other transcripts: no sequence alteration (3).
Genome position: GRCh38 VCF-style: chrX-154412069-T-T. GRCh37 (hg19) VCF-style: chrX-153640406-C-T.
Other names: c.-609= (NM_001009932.3); c.-351= (NM_001009933.3); c.-266= (NM_001009934.3); c.164-17= (NM_001440856.1, NM_001303465.2, NM_001410698.1 and 1 more transcripts); c.110-17= (NM_181312.4, NM_181311.4, NM_181313.4 and 1 more transcripts).
Identifiers: ClinVar variation 36794 (VCV000036794.16), dbSNP rs62617809.
Genomic context (GRCh38, chrX:154,412,069, plus strand): 5'-GGGACTTAGGGTGGGGGACGCCGCGGCCCCGACCTAGCGGGCGAGCCCGGAGCGCCTGAC[T=]TCTCCTTCCCCGCCAGAGTACATGAACCACCTGACCGTGCACAACAGGGAGGTGCTGTAC-3'

ClinVar aggregate classification (germline): Conflicting classifications of pathogenicity. Review status: criteria provided, conflicting classifications (1 of 4 stars). 7 submissions from 7 submitters: Uncertain significance (1); Benign (3); Likely benign (1). 2 of the submissions do not count toward it. Last evaluated 2026-02-04.

Conditions:
3-Methylglutaconic aciduria type 2 (BTHS). Also called: Barth syndrome; CARDIOSKELETAL MYOPATHY WITH NEUTROPENIA AND ABNORMAL MITOCHONDRIA. Identifiers: Orphanet 111, MedGen C0574083, MONDO:0010543, OMIM 302060.

Allele frequency attached by ClinVar (database versions not stated): gnomAD exomes 1.00000; 1000 Genomes Project 30x 0.06660; TOPMed 0.15305; gnomAD 0.99999.

Submissions (7):

Labcorp Genetics (formerly Invitae), Labcorp
Classification: Benign for 3-Methylglutaconic aciduria type 2. Last evaluated: 2026-02-04. Review status: criteria provided, single submitter. Criteria: Invitae Variant Classification Sherloc (09022015). Collection method: clinical testing. Allele origin: germline.

Blueprint Genetics
Classification: Likely benign. Last evaluated: 2024-11-28. Review status: criteria provided, single submitter. Criteria: ACMG Guidelines, 2015. Collection method: clinical testing. Allele origin: germline.

GeneDx
Classification: Benign. Last evaluated: 2015-03-03. Review status: criteria provided, single submitter. Criteria: GeneDx Variant Classification Process June 2021. Collection method: clinical testing. Allele origin: germline. Affected: yes.

Women's Health and Genetics/Laboratory Corporation of America, LabCorp
Classification: Uncertain significance for Barth Syndrome. Last evaluated: 2011-08-18. Review status: criteria provided, single submitter. Criteria: LabCorp Variant Classification Summary - May 2015. Collection method: curation. Allele origin: germline. Inheritance: Xlinked recessive. Affected: yes. Observed: 1 variant allele.
ClinVar note: Converted during submission from uncertain to Uncertain significance.

PreventionGenetics, part of Exact Sciences
Classification: Benign. Review status: criteria provided, single submitter. Criteria: ACMG Guidelines, 2015. Collection method: clinical testing. Allele origin: germline.

Clinical Genetics DNA and cytogenetics Diagnostics Lab, Erasmus MC, Erasmus Medical Center
Classification: Benign. Review status: no assertion criteria provided. Collection method: clinical testing. Allele origin: germline. Affected: yes. Study: VKGL Data-share Consensus. Not counted in ClinVar's aggregate classification.

Joint Genome Diagnostic Labs from Nijmegen and Maastricht, Radboudumc and MUMC+
Classification: Benign. Review status: no assertion criteria provided. Collection method: clinical testing. Allele origin: germline. Affected: yes. Study: VKGL Data-share Consensus. Not counted in ClinVar's aggregate classification.

Literature cited by the submitters: PubMed 15793838 (cited by Women's Health and Genetics/Laboratory Corporation of America, LabCorp).